The following is an entry in ClinVar:

NM_014244.5(ADAMTS2):c.3490C>T (p.Pro1164Ser)

Gene: ADAMTS2 (ADAM metallopeptidase with thrombospondin type 1 motif 2; minus strand). Cytogenetic location: 5q35.3.
Variant type: single nucleotide variant.
Coding change: c.3490C>T on transcript NM_014244.5 (MANE Select); coding-DNA position 3490, C replaced by T.
Protein change: p.Pro1164Ser; replaces proline 1164 with serine.
Molecular consequence: missense variant.
Genome position (GRCh38, 1-based): chr5:179,114,013, G>A on the plus strand (C>T on the coding strand, the complement: ADAMTS2 is on the minus strand). VCF-style: chr5-179114013-G-A. GRCh37 (hg19) VCF-style: chr5-178541014-G-A.
Other names: short protein forms P1164S.
Identifiers: ClinVar variation 857543 (VCV000857543.9), dbSNP rs776115866, ClinGen allele CA3595218.
Genomic context (GRCh38, chr5:179,114,013, plus strand): 5'-GTCGTCGAGGGATTAGGTTGGGTGGCTGGACTTCATCTTCCAGGCCATGGATTTTGTAGG[G>A]TTCATCTACGGCATTGGTTTCTGGGTGATCCTCTGTGGCATTGGTGCTGGAGGCATTGAG-3'
Protein context (NP_055059.2, residues 1154-1174): DHPETNAVDE[Pro1164Ser]YKIHGLEDEV

ClinVar aggregate classification (germline): Uncertain significance. Review status: criteria provided, multiple submitters, no conflicts (2 of 4 stars). 5 submissions from 5 submitters: Uncertain significance (4). 1 of the submissions does not count toward it. Last evaluated 2025-08-21.

Conditions:
Ehlers-Danlos syndrome, dermatosparaxis type. Also called: EDS VIIC; Ehlers-Danlos syndrome, type VII, autosomal recessive; Dermatosparaxis. Identifiers: Orphanet 1901, MedGen C2700425, MONDO:0009161, OMIM 225410.
Inborn genetic diseases. Identifiers: MedGen C0950123, MeSH D030342.

gnomAD v4.1: 53 of 1,613,998 alleles (0.0033%); highest among the groups gnomAD compares: Non-Finnish European, 0.0038%; no homozygotes.

Submissions (5):

Ambry Genetics
Classification: Uncertain significance for Inborn genetic diseases. Last evaluated: 2025-08-21. Review status: criteria provided, single submitter. Criteria: Ambry Variant Classification Scheme 2023. Collection method: clinical testing. Allele origin: germline.

Women's Health and Genetics/Laboratory Corporation of America, LabCorp
Classification: Uncertain significance. Last evaluated: 2025-06-10. Review status: criteria provided, single submitter. Criteria: LabCorp Variant Classification Summary - May 2015. Collection method: clinical testing. Allele origin: germline.
Comment: Variant summary: ADAMTS2 c.3490C>T (p.Pro1164Ser) results in a non-conservative amino acid change in the encoded protein sequence. Algorithms developed to predict the effect of missense changes on protein structure and function are either unavailable or do not agree on the potential impact of this missense change. The variant allele was found at a frequency of 1.2e-05 in 251494 control chromosomes. The available data on variant occurrences in the general population are insufficient to allow any conclusion about variant significance. To our knowledge, no occurrence of c.3490C>T in individuals affected with Ehlers-Danlos syndrome, dermatosparaxis type and no experimental evidence demonstrating its impact on protein function have been reported. ClinVar contains an entry for this variant (Variation ID: 857543). Based on the evidence outlined above, the variant was classified as uncertain significance.

GeneDx
Classification: Uncertain significance. Last evaluated: 2024-02-22. Review status: criteria provided, single submitter. Criteria: GeneDx Variant Classification Process June 2021. Collection method: clinical testing. Allele origin: germline. Affected: yes.
Comment: Not observed at significant frequency in large population cohorts (gnomAD); In silico analysis supports that this missense variant does not alter protein structure/function; Has not been previously published as pathogenic or benign to our knowledge

Labcorp Genetics (formerly Invitae), Labcorp
Classification: Uncertain significance for Ehlers-Danlos syndrome, dermatosparaxis type. Last evaluated: 2022-04-04. Review status: criteria provided, single submitter. Criteria: Invitae Variant Classification Sherloc (09022015). Collection method: clinical testing. Allele origin: germline.
Comment: This sequence change replaces proline, which is neutral and non-polar, with serine, which is neutral and polar, at codon 1164 of the ADAMTS2 protein (p.Pro1164Ser). This variant is present in population databases (rs776115866, gnomAD 0.006%). This variant has not been reported in the literature in individuals affected with ADAMTS2-related conditions. ClinVar contains an entry for this variant (Variation ID: 857543). Algorithms developed to predict the effect of missense changes on protein structure and function are either unavailable or do not agree on the potential impact of this missense change (SIFT: "Deleterious"; PolyPhen-2: "Benign"; Align-GVGD: "Class C0"). In summary, the available evidence is currently insufficient to determine the role of this variant in disease. Therefore, it has been classified as a Variant of Uncertain Significance.

Natera, Inc.
Classification: Uncertain significance for Ehlers-Danlos syndrome type VIIC. Last evaluated: 2020-02-21. Review status: no assertion criteria provided. Collection method: clinical testing. Allele origin: germline. Not counted in ClinVar's aggregate classification.